The following is an entry in ClinVar:

NM_001844.5(COL2A1):c.2158G>A (p.Gly720Ser)

Gene: COL2A1 (collagen type II alpha 1 chain; minus strand). Cytogenetic location: 12q13.11.
Variant type: single nucleotide variant.
Coding change: c.2158G>A on transcript NM_001844.5 (MANE Select); coding-DNA position 2158, G replaced by A.
Protein change: p.Gly720Ser; replaces glycine 720 with serine.
Molecular consequence: missense variant.
Genome position (GRCh38, 1-based): chr12:47,982,883, C>T on the plus strand (G>A on the coding strand, the complement: COL2A1 is on the minus strand). VCF-style: chr12-47982883-C-T. GRCh37 (hg19) VCF-style: chr12-48376666-C-T.
Other names: c.1951G>A, p.Gly651Ser (NM_033150.3); short protein forms G720S, G651S.
Identifiers: ClinVar variation 2130008 (VCV002130008.6), dbSNP rs1489630072, ClinGen allele CA384546974.

ClinVar aggregate classification (germline): Conflicting classifications of pathogenicity. Review status: criteria provided, conflicting classifications (1 of 4 stars). 3 submissions from 3 submitters: Likely pathogenic (2); Uncertain significance (1). Last evaluated 2026-04-07.

Conditions:
Spondyloepiphyseal dysplasia congenita (SEDC). Also called: SED CONGENITA; SPONDYLOEPIPHYSEAL DYSPLASIA, CONGENITAL TYPE. Identifiers: Orphanet 94068, MedGen C2745959, MONDO:0008471, OMIM 183900.
Stickler syndrome type 1 (STL1). Also called: ARTHROOPHTHALMOPATHY, HEREDITARY PROGRESSIVE; STICKLER SYNDROME, MEMBRANOUS VITREOUS TYPE; STICKLER SYNDROME, VITREOUS TYPE 1; COL2A1-Related Stickler Syndrome. Identifiers: Orphanet 828, Orphanet 90653, MedGen C2020284, MONDO:0007160, OMIM 108300.

Submissions (3):

Clinical Genetics and Genomics, Karolinska University Hospital
Classification: Likely pathogenic for Spondyloepiphyseal dysplasia congenita. Last evaluated: 2026-04-07. Review status: criteria provided, single submitter. Criteria: ACMG Guidelines, 2015. Collection method: clinical testing. Allele origin: unknown. Affected: yes.
Comment: This variant disrupts the triple helix domain of COL2A1. Glycine residues within the Gly-Xaa-Yaa repeats of the triple helix domain are required for the structure and stability of fibrillar collagens (PMID: 7695699, 8218237, 19344236).

Genomic Medicine Center of Excellence, King Faisal Specialist Hospital and Research Centre
Classification: Uncertain significance for Stickler syndrome type 1. Last evaluated: 2024-03-25. Review status: criteria provided, single submitter. Criteria: ACMG Guidelines, 2015. Collection method: clinical testing. Allele origin: germline.

Labcorp Genetics (formerly Invitae), Labcorp
Classification: Likely pathogenic. Last evaluated: 2022-04-24. Review status: criteria provided, single submitter. Criteria: Invitae Variant Classification Sherloc (09022015). Collection method: clinical testing. Allele origin: germline.
Comment: In summary, the currently available evidence indicates that the variant is pathogenic, but additional data are needed to prove that conclusively. Therefore, this variant has been classified as Likely Pathogenic. This sequence change replaces glycine, which is neutral and non-polar, with serine, which is neutral and polar, at codon 720 of the COL2A1 protein (p.Gly720Ser). This variant is not present in population databases (gnomAD no frequency). This variant has not been reported in the literature in individuals affected with COL2A1-related conditions. Advanced modeling of protein sequence and biophysical properties (such as structural, functional, and spatial information, amino acid conservation, physicochemical variation, residue mobility, and thermodynamic stability) performed at Invitae indicates that this missense variant is expected to disrupt COL2A1 protein function. This variant disrupts the triple helix domain of COL2A1. Glycine residues within the Gly-Xaa-Yaa repeats of the triple helix domain are required for the structure and stability of fibrillar collagens (PMID: 7695699, 8218237, 19344236). In COL2A1, variants affecting these glycine residues are significantly enriched in individuals with disease (PMID: 9016532, 17078022) compared to the general population (ExAC).

Literature cited by the submitters: PubMed 7695699 (cited by Labcorp Genetics (formerly Invitae), Labcorp); PubMed 8218237 (cited by Labcorp Genetics (formerly Invitae), Labcorp); PubMed 19344236 (cited by Labcorp Genetics (formerly Invitae), Labcorp); PubMed 9016532 (cited by Labcorp Genetics (formerly Invitae), Labcorp); PubMed 17078022 (cited by Labcorp Genetics (formerly Invitae), Labcorp).